The following is an entry in ClinVar:

NM_022042.4(SLC26A1):c.255G>A (p.Pro85=)

Genes: IDUA (alpha-L-iduronidase; plus strand), SLC26A1 (solute carrier family 26 member 1; minus strand). Cytogenetic location: 4p16.3.
Variant type: single nucleotide variant.
Coding change: c.255G>A on transcript NM_022042.4 (MANE Select); coding-DNA position 255, G replaced by A.
Protein change: p.Pro85=; no amino-acid change (proline 85 retained).
Molecular consequence: synonymous variant. On other transcripts: intron variant (1).
Genome position (GRCh38, 1-based): chr4:991,449, C>T on the plus strand (G>A on the coding strand, the complement: SLC26A1 is on the minus strand). VCF-style: chr4-991449-C-T. GRCh37 (hg19) VCF-style: chr4-985237-C-T.
Other names: c.255G>A, p.Pro85= (NM_134425.4, NM_213613.4); c.299+3500C>T (NM_000203.5).
Identifiers: ClinVar variation 713590 (VCV000713590.27), dbSNP rs147094131, ClinGen allele CA2801727.

ClinVar aggregate classification (germline): Likely benign. Review status: criteria provided, multiple submitters, no conflicts (2 of 4 stars). 4 submissions from 4 submitters: Likely benign (3). 1 of the submissions does not count toward it. Last evaluated 2026-08-01.

Conditions:
SLC26A1-related disorder. Also called: SLC26A1-related condition.

Allele frequency attached by ClinVar (database versions not stated): 1000 Genomes Project 30x 0.00078; 1000 Genomes Project 0.00100; TOPMed 0.00120; ESP Exome Variant Server 0.00123.
gnomAD v4.1: 2,521 of 1,612,720 alleles (0.16%); highest among the groups gnomAD compares: Non-Finnish European, 0.2%; 4 homozygotes.

Submissions (4):

CeGaT Center for Human Genetics Tuebingen
Classification: Likely benign. Last evaluated: 2026-08-01. Review status: criteria provided, single submitter. Criteria: CeGaT Center For Human Genetics Tuebingen Variant Classification Criteria Version 2. Collection method: clinical testing. Allele origin: germline. Affected: yes. Observed: 3 variant alleles.
Comment: SLC26A1: BP4, BP7

Labcorp Genetics (formerly Invitae), Labcorp
Classification: Likely benign. Last evaluated: 2026-01-15. Review status: criteria provided, single submitter. Criteria: Invitae Variant Classification Sherloc (09022015). Collection method: clinical testing. Allele origin: germline.

Blueprint Genetics
Classification: Likely benign. Last evaluated: 2024-10-25. Review status: criteria provided, single submitter. Criteria: ACMG Guidelines, 2015. Collection method: clinical testing. Allele origin: germline.

PreventionGenetics, part of Exact Sciences
Classification: Likely benign for SLC26A1-related condition. Last evaluated: 2019-06-26. Review status: no assertion criteria provided. Collection method: clinical testing. Allele origin: germline. Not counted in ClinVar's aggregate classification.
Comment: This variant is classified as likely benign based on ACMG/AMP sequence variant interpretation guidelines (Richards et al. 2015 PMID: 25741868, with internal and published modifications).